The following is an entry in ClinVar:

NM_213655.5(WNK1):c.3100C>T (p.His1034Tyr)

Gene: WNK1 (WNK lysine deficient protein kinase 1; plus strand). Cytogenetic location: 12p13.33.
Variant type: single nucleotide variant.
Coding change: c.3100C>T on transcript NM_213655.5 (MANE Plus Clinical); coding-DNA position 3100, C replaced by T.
Protein change: p.His1034Tyr; replaces histidine 1034 with tyrosine.
Molecular consequence: missense variant. On other transcripts: intron variant (2).
Genome position (GRCh38, 1-based): chr12:868,571, C>T. VCF-style: chr12-868571-C-T. GRCh37 (hg19) VCF-style: chr12-977737-C-T.
Other names: c.2845C>T, p.His949Tyr (NM_001184985.2); c.2140-2694C>T (NM_018979.4, NM_014823.3); short protein forms H1034Y, H949Y.
Identifiers: ClinVar variation 1727642 (VCV001727642.2), dbSNP rs1951876969, ClinGen allele CA383340318.
Genomic context (GRCh38, chr12:868,571, plus strand): 5'-ATTTCTGCACCTATCAGTACAGATGCTACACGTTTGAAATTTCACCCTGTCTTTGTTCCT[C>T]ATTCTGCGCCTGCTGTGTTAACTCATAACAATGAGAGCAGAAGCAACTGTGTATTTGAAT-3'
Protein context (NP_998820.3, residues 1024-1044): RLKFHPVFVP[His1034Tyr]SAPAVLTHNN

ClinVar aggregate classification (germline): Uncertain significance (1 of 4 stars; one submission).

Conditions:
Inborn genetic diseases. Identifiers: MedGen C0950123, MeSH D030342.

Allele frequency attached by ClinVar (database versions not stated): gnomAD exomes 0.00001.
gnomAD v4.1: 6 of 1,613,990 alleles (0.00037%); highest among the groups gnomAD compares: East Asian, 0.0089%; no homozygotes.

Submission:

Ambry Genetics
Classification: Uncertain significance for Inborn genetic diseases. Last evaluated: 2021-11-16. Review status: criteria provided, single submitter. Criteria: Ambry Variant Classification Scheme 2023. Collection method: clinical testing. Allele origin: germline.
Comment: The p.H1034Y variant (also known as c.3100C>T), located in coding exon 10 of the WNK1 gene, results from a C to T substitution at nucleotide position 3100. The histidine at codon 1034 is replaced by tyrosine, an amino acid with similar properties. This amino acid position is well conserved in available vertebrate species. In addition, this alteration is predicted to be tolerated by in silico analysis. Since supporting evidence is limited at this time, the clinical significance of this alteration remains unclear.